The following is an entry in ClinVar:

ClinVar aggregate classification (germline): Benign/Likely benign. Review status: criteria provided, multiple submitters, no conflicts (2 of 4 stars). 6 submissions from 6 submitters: Benign (2); Likely benign (3). 1 of the submissions does not count toward it. Last evaluated 2026-04-06.

Conditions:
Ullrich congenital muscular dystrophy 2 (UCMD2). Identifiers: Orphanet 75840, MedGen C4225314, MONDO:0014654, OMIM 616470.
Bethlem myopathy 2 (BTHLM2). Identifiers: Orphanet 536516, Orphanet 610, MedGen C4225313, MONDO:0034022, OMIM 616471.
COL12A1-related disorder. Also called: COL12A1-related condition.

Allele frequency attached by ClinVar (database versions not stated): gnomAD exomes 0.00034 and 0.00077; ExAC 0.00094; 1000 Genomes Project 30x 0.00219; 1000 Genomes Project 0.00240; gnomAD 0.00315 and 0.00347; ESP Exome Variant Server 0.00320; TOPMed 0.00363.
gnomAD v4.1: 989 of 1,613,600 alleles (0.061%); highest among the groups gnomAD compares: African/African-American, 1.2%; 2 homozygotes.

Submissions (6):

Women's Health and Genetics/Laboratory Corporation of America, LabCorp
Classification: Likely benign. Last evaluated: 2026-04-06. Review status: criteria provided, single submitter. Criteria: LabCorp Variant Classification Summary - May 2015. Collection method: clinical testing. Allele origin: germline.

Labcorp Genetics (formerly Invitae), Labcorp
Classification: Benign for Bethlem myopathy 2; Ullrich congenital muscular dystrophy 2. Last evaluated: 2026-01-24. Review status: criteria provided, single submitter. Criteria: Invitae Variant Classification Sherloc (09022015). Collection method: clinical testing. Allele origin: germline.

Mayo Clinic Laboratories, Mayo Clinic
Classification: Benign. Last evaluated: 2025-05-16. Review status: criteria provided, single submitter. Criteria: ACMG Guidelines, 2015. Collection method: clinical testing. Allele origin: germline. Observed: 4 variant alleles.
Comment: BS1, BS2, BP4, BP7

Blueprint Genetics
Classification: Likely benign. Last evaluated: 2024-11-21. Review status: criteria provided, single submitter. Criteria: ACMG Guidelines, 2015. Collection method: clinical testing. Allele origin: germline.

GeneDx
Classification: Likely benign. Last evaluated: 2020-12-14. Review status: criteria provided, single submitter. Criteria: GeneDx Variant Classification Process June 2021. Collection method: clinical testing. Allele origin: germline. Affected: yes.

PreventionGenetics, part of Exact Sciences
Classification: Benign for COL12A1-related condition. Last evaluated: 2019-06-04. Review status: no assertion criteria provided. Collection method: clinical testing. Allele origin: germline. Not counted in ClinVar's aggregate classification.
Comment: This variant is classified as benign based on ACMG/AMP sequence variant interpretation guidelines (Richards et al. 2015 PMID: 25741868, with internal and published modifications).

NM_004370.6(COL12A1):c.4335A>G (p.Lys1445=)

Gene: COL12A1 (collagen type XII alpha 1 chain; minus strand). Cytogenetic location: 6q13.
Variant type: single nucleotide variant.
Coding change: c.4335A>G on transcript NM_004370.6 (MANE Select); coding-DNA position 4335, A replaced by G.
Protein change: p.Lys1445=; no amino-acid change (lysine 1445 retained).
Molecular consequence: synonymous variant.
Genome position (GRCh38, 1-based): chr6:75,147,757, T>C on the plus strand (A>G on the coding strand, the complement: COL12A1 is on the minus strand). VCF-style: chr6-75147757-T-C. GRCh37 (hg19) VCF-style: chr6-75857473-T-C.
Other names: p.Lys1445=; c.843A>G, p.Lys281= (NM_080645.3).
Identifiers: ClinVar variation 704095 (VCV000704095.20), dbSNP rs113549828, ClinGen allele CA3893475.
Genomic context (GRCh38, chr6:75,147,757, plus strand): 5'-AGGCTCACTATATTCATCTTCTACCACAGAATACACATTGACAACATATTCAGTTTCAGG[T>C]TTCAGATCTTTCAGCACTGTGCTAGTTTCCATTCGACTCACATAAAACTAGGGGGAAAAA-3'
Protein context (NP_004361.3, residues 1435-1455): METSTVLKDL[Lys1445=]PETEYVVNVY